The following is an entry in ClinVar:

NM_021815.5(SLC5A7):c.931A>C (p.Lys311Gln)

Gene: SLC5A7 (solute carrier family 5 member 7; plus strand). Cytogenetic location: 2q12.3.
Variant type: single nucleotide variant.
Coding change: c.931A>C on transcript NM_021815.5 (MANE Select); coding-DNA position 931, A replaced by C.
Protein change: p.Lys311Gln; replaces lysine 311 with glutamine.
Molecular consequence: missense variant.
Genome position (GRCh38, 1-based): chr2:108,008,500, A>C. VCF-style: chr2-108008500-A-C. GRCh37 (hg19) VCF-style: chr2-108624956-A-C.
Other names: c.931A>C, p.Lys311Gln (NM_001305005.3); c.616A>C, p.Lys206Gln (NM_001305006.3); c.190A>C, p.Lys64Gln (NM_001305007.3); short protein forms K206Q, K311Q, K64Q.
Identifiers: ClinVar variation 856689 (VCV000856689.1), dbSNP rs1307429820, ClinGen allele CA348113454.

ClinVar aggregate classification (germline): Uncertain significance (1 of 4 stars; one submission).

Conditions:
Neuronopathy, distal hereditary motor, type 7A. Also called: NEURONOPATHY, DISTAL HEREDITARY MOTOR, HARDING TYPE VIIA; NEUROPATHY, DISTAL HEREDITARY MOTOR, HARDING TYPE VIIA; Neuronopathy, distal hereditary motor, autosomal dominant 7; HARPER-YOUNG MYOPATHY; HMN VIIA; SPINAL MUSCULAR ATROPHY, DISTAL, WITH VOCAL CORD PARALYSIS. Identifiers: Orphanet 139589, MedGen C1834703, MONDO:0008024, OMIM 158580.
Congenital myasthenic syndrome 20. Also called: Myasthenic syndrome, congenital, 20, presynaptic. Identifiers: MedGen C4310694, MONDO:0014939, OMIM 617143.

Submission:

Labcorp Genetics (formerly Invitae), Labcorp
Classification: Uncertain significance for Neuronopathy, distal hereditary motor, type viia; Myasthenic syndrome, congenital, 20, presynaptic. Last evaluated: 2019-05-09. Review status: criteria provided, single submitter. Criteria: Invitae Variant Classification Sherloc (09022015). Collection method: clinical testing. Allele origin: germline.
Comment: This sequence change replaces lysine with glutamine at codon 311 of the SLC5A7 protein (p.Lys311Gln). The lysine residue is moderately conserved and there is a small physicochemical difference between lysine and glutamine. This variant is not present in population databases (ExAC no frequency). This variant has not been reported in the literature in individuals with SLC5A7-related conditions. Algorithms developed to predict the effect of missense changes on protein structure and function output the following: SIFT: "Tolerated"; PolyPhen-2: "Benign"; Align-GVGD: "Class C0". The glutamine amino acid residue is found in multiple mammalian species, suggesting that this missense change does not adversely affect protein function. These predictions have not been confirmed by published functional studies and their clinical significance is uncertain. In summary, the available evidence is currently insufficient to determine the role of this variant in disease. Therefore, it has been classified as a Variant of Uncertain Significance.